The following is an entry in ClinVar:

NM_001873.4(CPE):c.536G>A (p.Arg179Gln)

Gene: CPE (carboxypeptidase E; plus strand). Cytogenetic location: 4q32.3.
Variant type: single nucleotide variant.
Coding change: c.536G>A on transcript NM_001873.4 (MANE Select); coding-DNA position 536, G replaced by A.
Protein change: p.Arg179Gln; replaces arginine 179 with glutamine.
Molecular consequence: missense variant.
Genome position (GRCh38, 1-based): chr4:165,467,719, G>A. VCF-style: chr4-165467719-G-A. GRCh37 (hg19) VCF-style: chr4-166388871-G-A.
Other names: short protein forms R179Q.
Identifiers: ClinVar variation 3355972 (VCV003355972.1).

ClinVar aggregate classification (germline): Uncertain significance (0 of 4 stars; one submission).

Conditions:
CPE-related disorder. Also called: CPE-related condition.

gnomAD v4.1: 6 of 1,609,618 alleles (0.00037%); highest among the groups gnomAD compares: African/African-American, 0.0027%; no homozygotes.

Submission:

PreventionGenetics, part of Exact Sciences
Classification: Uncertain significance for CPE-related condition. Last evaluated: 2024-07-17. Review status: no assertion criteria provided. Collection method: clinical testing. Allele origin: germline.
Comment: The CPE c.536G>A variant is predicted to result in the amino acid substitution p.Arg179Gln. To our knowledge, this variant has not been reported in individuals with CPE-associated disorders in the literature. This variant is reported in 0.0062% of alleles in individuals of African descent in gnomAD. At this time, the clinical significance of this variant is uncertain due to the absence of conclusive functional and genetic evidence.